The following is an entry in ClinVar:

ClinVar aggregate classification (germline): Pathogenic (1 of 4 stars; one submission).

Conditions:
Spastic paraplegia. Identifiers: MedGen C0037772, HP:0001258.

Submission:

Labcorp Genetics (formerly Invitae), Labcorp
Classification: Pathogenic for Spastic paraplegia. Last evaluated: 2023-11-15. Review status: criteria provided, single submitter. Criteria: Invitae Variant Classification Sherloc (09022015). Collection method: clinical testing. Allele origin: germline.
Comment: This sequence change creates a premature translational stop signal (p.Leu1646Argfs*11) in the SACS gene. While this is not anticipated to result in nonsense mediated decay, it is expected to disrupt the last 2934 amino acid(s) of the SACS protein. This variant is not present in population databases (gnomAD no frequency). This variant has not been reported in the literature in individuals affected with SACS-related conditions. This variant disrupts a region of the SACS protein in which other variant(s) (p.Asn4549Asp) have been determined to be pathogenic (PMID: 15156359, 21507954). This suggests that this is a clinically significant region of the protein, and that variants that disrupt it are likely to be disease-causing. For these reasons, this variant has been classified as Pathogenic.

Literature cited by the submitters: PubMed 15156359; PubMed 21507954.

NM_014363.6(SACS):c.4937del (p.Leu1646fs)

Gene: SACS (sacsin molecular chaperone; minus strand). Cytogenetic location: 13q12.12.
Variant type: Deletion.
Coding change: c.4937del on transcript NM_014363.6 (MANE Select); coding-DNA position 4937, one base deleted (T; older notation c.4937delT).
Protein change: p.Leu1646fs; shifts the reading frame from leucine 1646.
Molecular consequence: frameshift variant.
Genome position (GRCh38, 1-based): chr13:23,338,939, A deleted on the plus strand (T on the coding strand, the reverse complement: SACS is on the minus strand). VCF-style (leftmost placement, unchanged base first): chr13-23338938-CA-C. GRCh37 (hg19) VCF-style: chr13-23913077-CA-C.
Other names: c.4496del, p.Leu1499fs (NM_001278055.2); short protein forms L1499fs, L1646fs.
Identifiers: ClinVar variation 2696234 (VCV002696234.3), dbSNP rs2475010670, ClinGen allele CA2697551675.